The following is an entry in ClinVar:

ClinVar aggregate classification (germline): Conflicting classifications of pathogenicity. Review status: criteria provided, conflicting classifications (1 of 4 stars). 13 submissions from 13 submitters: Uncertain significance (1); Benign (1); Likely benign (7). 4 of the submissions do not count toward it. Last evaluated 2025-12-20.

Conditions:
Spinocerebellar ataxia, autosomal recessive, with axonal neuropathy 2 (SCAN2). Also called: Ataxia-ocular apraxia-2; ATAXIA-OCULOMOTOR APRAXIA 2; Ataxia with Oculomotor Apraxia Type 2; Ataxia with Oculomotor Apraxia. Identifiers: Orphanet 64753, MedGen C1853761, MONDO:0018996, OMIM 606002.
Amyotrophic lateral sclerosis type 4 (ALS4). Also called: NEURONOPATHY, DISTAL HEREDITARY MOTOR, WITH PYRAMIDAL FEATURES; AMYOTROPHIC LATERAL SCLEROSIS 4, JUVENILE. Identifiers: Orphanet 357043, MedGen C1865409, MONDO:0011223, OMIM 602433.
Inborn genetic diseases. Identifiers: MedGen C0950123, MeSH D030342.
Hereditary spastic paraplegia. Also called: Familial spastic paraparesis. Identifiers: Orphanet 685, MedGen C0037773, MONDO:0019064. Disease mechanism: loss of function.

Allele frequency attached by ClinVar (database versions not stated): ESP Exome Variant Server 0.00023; TOPMed 0.00031; gnomAD 0.00039; ExAC 0.00061.
gnomAD v4.1: 982 of 1,613,812 alleles (0.061%); highest among the groups gnomAD compares: Non-Finnish European, 0.073%; 2 homozygotes.

Submissions (13):

Labcorp Genetics (formerly Invitae), Labcorp
Classification: Likely benign for Amyotrophic lateral sclerosis type 4; Spinocerebellar ataxia, autosomal recessive, with axonal neuropathy 2. Last evaluated: 2025-12-20. Review status: criteria provided, single submitter. Criteria: Invitae Variant Classification Sherloc (09022015). Collection method: clinical testing. Allele origin: germline.

CeGaT Center for Human Genetics Tuebingen
Classification: Likely benign. Last evaluated: 2025-08-01. Review status: criteria provided, single submitter. Criteria: CeGaT Center For Human Genetics Tuebingen Variant Classification Criteria Version 2. Collection method: clinical testing. Allele origin: germline. Affected: yes. Observed: 4 variant alleles.
Comment: SETX: BP4, BP7

Women's Health and Genetics/Laboratory Corporation of America, LabCorp
Classification: Likely benign. Last evaluated: 2024-12-16. Review status: criteria provided, single submitter. Criteria: LabCorp Variant Classification Summary - May 2015. Collection method: clinical testing. Allele origin: germline.

Blueprint Genetics
Classification: Likely benign. Last evaluated: 2024-09-11. Review status: criteria provided, single submitter. Criteria: ACMG Guidelines, 2015. Collection method: clinical testing. Allele origin: germline.

GeneDx
Classification: Likely benign. Last evaluated: 2021-04-02. Review status: criteria provided, single submitter. Criteria: GeneDx Variant Classification Process June 2021. Collection method: clinical testing. Allele origin: germline. Affected: yes.

Athena Diagnostics
Classification: Benign. Last evaluated: 2019-12-23. Review status: criteria provided, single submitter. Criteria: Athena Diagnostics Criteria. Collection method: clinical testing. Allele origin: unknown.

Ambry Genetics
Classification: Likely benign for Inborn genetic diseases. Last evaluated: 2019-07-11. Review status: criteria provided, single submitter. Criteria: Ambry Variant Classification Scheme 2023. Collection method: clinical testing. Allele origin: germline.

Genome Diagnostics Laboratory, The Hospital for Sick Children
Classification: Uncertain significance for Hereditary spastic paraplegia. Last evaluated: 2016-12-20. Review status: criteria provided, single submitter. Criteria: ACMG Guidelines, 2015. Collection method: clinical testing. Allele origin: germline. Affected: yes.

PreventionGenetics, part of Exact Sciences
Classification: Likely benign. Review status: criteria provided, single submitter. Criteria: ACMG Guidelines, 2015. Collection method: clinical testing. Allele origin: germline.

Clinical Genetics DNA and cytogenetics Diagnostics Lab, Erasmus MC, Erasmus Medical Center
Classification: Likely benign. Review status: no assertion criteria provided. Collection method: clinical testing. Allele origin: germline. Affected: yes. Study: VKGL Data-share Consensus. Not counted in ClinVar's aggregate classification.

Clinical Genetics, Academic Medical Center
Classification: Likely benign. Review status: no assertion criteria provided. Collection method: clinical testing. Allele origin: germline. Affected: yes. Study: VKGL Data-share Consensus. Not counted in ClinVar's aggregate classification.

Genome Diagnostics Laboratory, Amsterdam University Medical Center
Classification: Likely benign. Review status: no assertion criteria provided. Collection method: clinical testing. Allele origin: germline. Affected: yes. Study: VKGL Data-share Consensus. Not counted in ClinVar's aggregate classification.

Genome Diagnostics Laboratory, University Medical Center Utrecht
Classification: Likely benign. Review status: no assertion criteria provided. Collection method: clinical testing. Allele origin: germline. Affected: yes. Study: VKGL Data-share Consensus. Not counted in ClinVar's aggregate classification.

NM_015046.7(SETX):c.3345C>G (p.Ala1115=)

Gene: SETX (senataxin; minus strand). Cytogenetic location: 9q34.13.
Variant type: single nucleotide variant.
Coding change: c.3345C>G on transcript NM_015046.7 (MANE Select); coding-DNA position 3345, C replaced by G.
Protein change: p.Ala1115=; no amino-acid change (alanine 1115 retained).
Molecular consequence: synonymous variant.
Genome position (GRCh38, 1-based): chr9:132,328,253, G>C on the plus strand (C>G on the coding strand, the complement: SETX is on the minus strand). VCF-style: chr9-132328253-G-C. GRCh37 (hg19) VCF-style: chr9-135203640-G-C.
Other names: c.3345C>G, p.Ala1115= (NM_001351527.2, NM_001351528.2).
Identifiers: ClinVar variation 260504 (VCV000260504.62), dbSNP rs142020270, ClinGen allele CA5297423.